The following is an entry in ClinVar:

ClinVar aggregate classification (germline): Uncertain significance (1 of 4 stars; one submission).

Conditions:
SLC35A2-congenital disorder of glycosylation. Also called: SLC35A2-CDG; EPILEPTIC ENCEPHALOPATHY, EARLY INFANTILE, 22; DEVELOPMENTAL AND EPILEPTIC ENCEPHALOPATHY 22; CONGENITAL DISORDER OF GLYCOSYLATION, TYPE IIm, SOMATIC MOSAIC; CONGENITAL DISORDER OF GLYCOSYLATION, TYPE IIm; CDG IIm. Identifiers: Orphanet 356961, MedGen C3806688, MONDO:0010478, OMIM 300896.

Submission:

3billion
Classification: Uncertain significance for SLC35A2-congenital disorder of glycosylation. Last evaluated: 2026-01-14. Review status: criteria provided, single submitter. Criteria: ACMG Guidelines, 2015. Collection method: clinical testing. Allele origin: germline. Affected: yes.
Comment: The variant is not observed in the gnomAD v4.1.0 dataset. Predicted Consequence/Location: Intron variant In silico tools predict the variant to alter splicing and produce an abnormal transcript [SpliceAI: 0.25 (>=0.2, moderate evidence for spliceogenicity)]. Therefore, this variant is classified as VUS according to the recommendation of ACMG/AMP guideline.

NM_005660.3(SLC35A2):c.92-239A>T

Gene: SLC35A2 (solute carrier family 35 member A2; minus strand). Cytogenetic location: Xp11.23.
Variant type: single nucleotide variant.
Coding change: c.92-239A>T on transcript NM_005660.3 (MANE Select); 239 bases into the intron before coding-DNA position 92, A replaced by T.
Molecular consequence: intron variant. On other transcripts: synonymous variant (1).
Genome position (GRCh38, 1-based): chrX:48,910,235, T>A on the plus strand (A>T on the coding strand, the complement: SLC35A2 is on the minus strand). VCF-style: chrX-48910235-T-A. GRCh37 (hg19) VCF-style: chrX-48767512-T-A.
Other names: c.174A>T, p.Pro58= (NM_001282651.2); c.91+1311A>T (NM_001282649.2); c.92-239A>T (NM_001282647.2, NM_001042498.3, NM_001032289.3); c.131-239A>T (NM_001282650.2); c.20-239A>T (NM_001282648.2).
Identifiers: ClinVar variation 4856103 (VCV004856103.1).